The following is an entry in ClinVar:

NM_004924.6(ACTN4):c.719T>C (p.Met240Thr)

Gene: ACTN4 (actinin alpha 4; plus strand). Cytogenetic location: 19q13.2.
Variant type: single nucleotide variant.
Coding change: c.719T>C on transcript NM_004924.6 (MANE Select); coding-DNA position 719, T replaced by C.
Protein change: p.Met240Thr; replaces methionine 240 with threonine.
Molecular consequence: missense variant.
Genome position (GRCh38, 1-based): chr19:38,709,462, T>C. VCF-style: chr19-38709462-T-C. GRCh37 (hg19) VCF-style: chr19-39200102-T-C.
Other names: c.719T>C, p.Met240Thr (NM_001322033.2); short protein forms M240T.
Identifiers: ClinVar variation 427769 (VCV000427769.4), dbSNP rs1114167420, ClinGen allele CA405696096.

ClinVar aggregate classification (germline): Uncertain significance. Review status: criteria provided, single submitter (1 of 4 stars). 2 submissions from 2 submitters: Uncertain significance (1). 1 of the submissions does not count toward it. Last evaluated 2019-11-14.

Conditions:
Focal segmental glomerulosclerosis 1 (FSGS1). Identifiers: Orphanet 656, MedGen C4551527, MONDO:0011303, OMIM 603278.

Submissions (2):

GeneDx
Classification: Uncertain significance. Last evaluated: 2019-11-14. Review status: criteria provided, single submitter. Criteria: GeneDx Variant Classification Process June 2021. Collection method: clinical testing. Allele origin: germline. Affected: yes.
Comment: Not observed in large population cohorts (Lek et al., 2016); In silico analysis, which includes protein predictors and evolutionary conservation, supports a deleterious effect; Has not been previously published as pathogenic or benign to our knowledge

Institute of Human Genetics, Cologne University
Classification: Uncertain significance for Focal segmental glomerulosclerosis 1. Review status: no assertion criteria provided. Collection method: clinical testing. Allele origin: unknown. Inheritance: Autosomal dominant inheritance. Affected: yes. Observed: 1 variant allele, 1 heterozygote. Not counted in ClinVar's aggregate classification.